The following is an entry in ClinVar:

ClinVar aggregate classification (germline): Uncertain significance (1 of 4 stars; one submission).

Conditions:
Wilson disease (WND). Also called: Wilson's disease. Identifiers: Orphanet 905, MedGen C0019202, MONDO:0010200, OMIM 277900. Disease mechanism: loss of function.

Submission:

Labcorp Genetics (formerly Invitae), Labcorp
Classification: Uncertain significance for Wilson disease. Last evaluated: 2024-08-01. Review status: criteria provided, single submitter. Criteria: Invitae Variant Classification Sherloc (09022015). Collection method: clinical testing. Allele origin: germline.
Comment: This sequence change replaces threonine, which is neutral and polar, with proline, which is neutral and non-polar, at codon 99 of the ATP7B protein (p.Thr99Pro). This variant is not present in population databases (gnomAD no frequency). This variant has not been reported in the literature in individuals affected with ATP7B-related conditions. Advanced modeling of protein sequence and biophysical properties (such as structural, functional, and spatial information, amino acid conservation, physicochemical variation, residue mobility, and thermodynamic stability) performed at Invitae indicates that this missense variant is not expected to disrupt ATP7B protein function with a negative predictive value of 95%. In summary, the available evidence is currently insufficient to determine the role of this variant in disease. Therefore, it has been classified as a Variant of Uncertain Significance.

NM_000053.4(ATP7B):c.295A>C (p.Thr99Pro)

Gene: ATP7B (ATPase copper transporting beta; minus strand). Cytogenetic location: 13q14.3.
Variant type: single nucleotide variant.
Coding change: c.295A>C on transcript NM_000053.4 (MANE Select); coding-DNA position 295, A replaced by C.
Protein change: p.Thr99Pro; replaces threonine 99 with proline.
Molecular consequence: missense variant.
Genome position (GRCh38, 1-based): chr13:51,974,925, T>G on the plus strand (A>C on the coding strand, the complement: ATP7B is on the minus strand). VCF-style: chr13-51974925-T-G. GRCh37 (hg19) VCF-style: chr13-52549061-T-G.
Other names: c.295A>C, p.Thr99Pro (NM_001005918.3, NM_001243182.2, NM_001330578.2 and 30 more transcripts); c.199A>C, p.Thr67Pro (NM_001406530.1, NM_001406536.1, NM_001406539.1 and 4 more transcripts); short protein forms T67P, T99P.
Identifiers: ClinVar variation 3609120 (VCV003609120.2).